The following is an entry in ClinVar:

NM_020708.5(SLC12A5):c.428C>T (p.Thr143Met)

Gene: SLC12A5 (solute carrier family 12 member 5; plus strand). Cytogenetic location: 20q13.12.
Variant type: single nucleotide variant.
Coding change: c.428C>T on transcript NM_020708.5 (MANE Select); coding-DNA position 428, C replaced by T.
Protein change: p.Thr143Met; replaces threonine 143 with methionine.
Molecular consequence: missense variant.
Genome position (GRCh38, 1-based): chr20:46,036,742, C>T. VCF-style: chr20-46036742-C-T. GRCh37 (hg19) VCF-style: chr20-44665381-C-T.
Other names: c.497C>T, p.Thr166Met (NM_001134771.2); short protein forms T143M, T166M.
Identifiers: ClinVar variation 963985 (VCV000963985.10), dbSNP rs764963565, ClinGen allele CA315632617.
Genomic context (GRCh38, chr20:46,036,742, plus strand): 5'-CACCCAGGCCACTGCGGCCCCTACCCCAGCCACCGCTCTGATGATCTCTTTCCTCACAGA[C>T]GATGCTCACGGCCATCTCCATGAGTGCAATTGCAACGAATGGTGTTGTGCCTGGTAGGTG-3'
Protein context (NP_065759.1, residues 133-153): FCMVFICCSC[Thr143Met]MLTAISMSAI

ClinVar aggregate classification (germline): Uncertain significance. Review status: criteria provided, multiple submitters, no conflicts (2 of 4 stars). 2 submissions from 2 submitters: Uncertain significance (2). Last evaluated 2022-09-12.

Conditions:
Developmental and epileptic encephalopathy, 34 (DEE34). Also called: Early infantile epileptic encephalopathy 34; SLC12A5-Related Epilepsy of Infancy with Migrating Focal Seizures. Identifiers: Orphanet 293181, MedGen C4225257, MONDO:0014718, OMIM 616645.

Allele frequency attached by ClinVar (database versions not stated): gnomAD exomes below 0.00001.
gnomAD v4.1: 2 of 1,613,774 alleles (0.00012%); highest among the groups gnomAD compares: Admixed American, 0.0017%; no homozygotes.

Submissions (2):

GeneDx
Classification: Uncertain significance. Last evaluated: 2022-09-12. Review status: criteria provided, single submitter. Criteria: GeneDx Variant Classification Process June 2021. Collection method: clinical testing. Allele origin: germline. Affected: yes.
Comment: Not observed at significant frequency in large population cohorts (gnomAD); In silico analysis supports that this missense variant has a deleterious effect on protein structure/function; Has not been previously published as pathogenic or benign to our knowledge

Labcorp Genetics (formerly Invitae), Labcorp
Classification: Uncertain significance for Developmental and epileptic encephalopathy, 34. Last evaluated: 2022-04-28. Review status: criteria provided, single submitter. Criteria: Invitae Variant Classification Sherloc (09022015). Collection method: clinical testing. Allele origin: germline.
Comment: In summary, the available evidence is currently insufficient to determine the role of this variant in disease. Therefore, it has been classified as a Variant of Uncertain Significance. Algorithms developed to predict the effect of missense changes on protein structure and function are either unavailable or do not agree on the potential impact of this missense change (SIFT: "Deleterious"; PolyPhen-2: "Probably Damaging"; Align-GVGD: "Class C0"). ClinVar contains an entry for this variant (Variation ID: 963985). This variant has not been reported in the literature in individuals affected with SLC12A5-related conditions. This variant is present in population databases (rs764963565, gnomAD 0.0009%). This sequence change replaces threonine, which is neutral and polar, with methionine, which is neutral and non-polar, at codon 143 of the SLC12A5 protein (p.Thr143Met).